The following is an entry in ClinVar:

ClinVar aggregate classification (germline): Uncertain significance (1 of 4 stars; one submission).

Conditions:
Kabuki syndrome. Also called: Kabuki make-up syndrome; NIIKAWA-KUROKI SYNDROME. Identifiers: Orphanet 2322, MedGen C0796004, MONDO:0016512.

Submission:

Labcorp Genetics (formerly Invitae), Labcorp
Classification: Uncertain significance for Kabuki syndrome. Last evaluated: 2024-10-29. Review status: criteria provided, single submitter. Criteria: Invitae Variant Classification Sherloc (09022015). Collection method: clinical testing. Allele origin: germline.
Comment: This sequence change replaces methionine, which is neutral and non-polar, with isoleucine, which is neutral and non-polar, at codon 5078 of the KMT2D protein (p.Met5078Ile). This variant is not present in population databases (gnomAD no frequency). This variant has not been reported in the literature in individuals affected with KMT2D-related conditions. Invitae Evidence Modeling of protein sequence and biophysical properties (such as structural, functional, and spatial information, amino acid conservation, physicochemical variation, residue mobility, and thermodynamic stability) indicates that this missense variant is not expected to disrupt KMT2D protein function with a negative predictive value of 95%. In summary, the available evidence is currently insufficient to determine the role of this variant in disease. Therefore, it has been classified as a Variant of Uncertain Significance.

NM_003482.4(KMT2D):c.15234G>C (p.Met5078Ile)

Gene: KMT2D (lysine methyltransferase 2D; minus strand). Cytogenetic location: 12q13.12.
Variant type: single nucleotide variant.
Coding change: c.15234G>C on transcript NM_003482.4 (MANE Select); coding-DNA position 15234, G replaced by C.
Protein change: p.Met5078Ile; replaces methionine 5078 with isoleucine.
Molecular consequence: missense variant.
Genome position (GRCh38, 1-based): chr12:49,026,732, C>G on the plus strand (G>C on the coding strand, the complement: KMT2D is on the minus strand). VCF-style: chr12-49026732-C-G. GRCh37 (hg19) VCF-style: chr12-49420515-C-G.
Other names: short protein forms M5078I.
Identifiers: ClinVar variation 3622293 (VCV003622293.2).
Genomic context (GRCh38, chr12:49,026,732, plus strand): 5'-AGTTCGCTGGCACAGGGAGCACTTGGTTAGCAGTCCTCGGTGCAGGGCAACCTCCACATT[C>G]ATCAGTGCCCCGCCCTGGGTCTCATACACCTCCGTGGACCAAAGGGCACAGTTGAGGTGC-3'
Protein context (NP_003473.3, residues 5068-5088): EVYETQGGAL[Met5078Ile]NVEVALHRGL